The following is an entry in ClinVar:

NM_004237.4(TRIP13):c.320C>T (p.Pro107Leu)

Gene: TRIP13 (thyroid hormone receptor interactor 13; plus strand). Cytogenetic location: 5p15.33.
Variant type: single nucleotide variant.
Coding change: c.320C>T on transcript NM_004237.4 (MANE Select); coding-DNA position 320, C replaced by T.
Protein change: p.Pro107Leu; replaces proline 107 with leucine.
Molecular consequence: missense variant.
Genome position (GRCh38, 1-based): chr5:896,726, C>T. VCF-style: chr5-896726-C-T. GRCh37 (hg19) VCF-style: chr5-896841-C-T.
Other names: c.320C>T, p.Pro107Leu (NM_001166260.2); short protein forms P107L.
Identifiers: ClinVar variation 4808043 (VCV004808043.1).

ClinVar aggregate classification (germline): Uncertain significance (1 of 4 stars; one submission).

gnomAD v4.1: 4 of 1,613,864 alleles (0.00025%); highest among the groups gnomAD compares: Non-Finnish European, 0.00025%; no homozygotes.

Submission:

Labcorp Genetics (formerly Invitae), Labcorp
Classification: Uncertain significance. Last evaluated: 2025-05-04. Review status: criteria provided, single submitter. Criteria: Invitae Variant Classification Sherloc (09022015). Collection method: clinical testing. Allele origin: germline.
Comment: This sequence change replaces proline, which is neutral and non-polar, with leucine, which is neutral and non-polar, at codon 107 of the TRIP13 protein (p.Pro107Leu). This variant is not present in population databases (gnomAD no frequency). This variant has not been reported in the literature in individuals affected with TRIP13-related conditions. An algorithm developed to predict the effect of missense changes on protein structure and function (PolyPhen-2) suggests that this variant is likely to be tolerated. In summary, the available evidence is currently insufficient to determine the role of this variant in disease. Therefore, it has been classified as a Variant of Uncertain Significance.